The following is an entry in ClinVar:

ClinVar aggregate classification (germline): Uncertain significance (1 of 4 stars; one submission).

Allele frequency attached by ClinVar (database versions not stated): ExAC 0.00001; gnomAD exomes 0.00001 and 0.00002; ESP Exome Variant Server 0.00008.
gnomAD v4.1: 11 of 1,614,008 alleles (0.00068%); highest among the groups gnomAD compares: Non-Finnish European, 0.00093%; no homozygotes.

Submission:

Labcorp Genetics (formerly Invitae), Labcorp
Classification: Uncertain significance. Last evaluated: 2020-05-20. Review status: criteria provided, single submitter. Criteria: Invitae Variant Classification Sherloc (09022015). Collection method: clinical testing. Allele origin: germline.
Comment: In summary, the available evidence is currently insufficient to determine the role of this variant in disease. Therefore, it has been classified as a Variant of Uncertain Significance. Algorithms developed to predict the effect of missense changes on protein structure and function output the following: SIFT: "Tolerated"; PolyPhen-2: "Benign"; Align-GVGD: "Class C0". The histidine amino acid residue is found in multiple mammalian species, suggesting that this missense change does not adversely affect protein function. These predictions have not been confirmed by published functional studies and their clinical significance is uncertain. This variant has not been reported in the literature in individuals with VCAN-related conditions. This variant is present in population databases (rs147060240, ExAC 0.002%). This sequence change replaces tyrosine with histidine at codon 1582 of the VCAN protein (p.Tyr1582His). The tyrosine residue is moderately conserved and there is a moderate physicochemical difference between tyrosine and histidine.

NM_004385.5(VCAN):c.4744T>C (p.Tyr1582His)

Genes: VCAN (versican; plus strand), VCAN-AS1 (VCAN antisense RNA 1; minus strand). Cytogenetic location: 5q14.3.
Variant type: single nucleotide variant.
Coding change: c.4744T>C on transcript NM_004385.5 (MANE Select); coding-DNA position 4744, T replaced by C.
Protein change: p.Tyr1582His; replaces tyrosine 1582 with histidine.
Molecular consequence: missense variant. On other transcripts: intron variant (2).
Genome position (GRCh38, 1-based): chr5:83,537,747, T>C. VCF-style: chr5-83537747-T-C. GRCh37 (hg19) VCF-style: chr5-82833566-T-C.
Other names: c.1783T>C, p.Tyr595His (NM_001164097.2); c.4004-7790T>C (NM_001164098.2); c.1043-7790T>C (NM_001126336.3); short protein forms Y1582H, Y595H.
Identifiers: ClinVar variation 1007098 (VCV001007098.8), dbSNP rs147060240, ClinGen allele CA3333222.